The following is an entry in ClinVar:

NM_006393.3(NEBL):c.799-97A>T

Gene: NEBL (nebulette; minus strand). Cytogenetic location: 10p12.31.
Variant type: single nucleotide variant.
Coding change: c.799-97A>T on transcript NM_006393.3 (MANE Select); 97 bases into the intron before coding-DNA position 799, A replaced by T.
Molecular consequence: intron variant.
Genome position (GRCh38, 1-based): chr10:20,858,441, T>A on the plus strand (A>T on the coding strand, the complement: NEBL is on the minus strand). VCF-style: chr10-20858441-T-A. GRCh37 (hg19) VCF-style: chr10-21147370-T-A.
Other names: c.250-45501A>T (NM_001377326.1, NM_001377327.1, NM_001377328.1); c.358-45501A>T (NM_213569.2, NM_001173484.2, NM_001377322.1); c.301-45501A>T (NM_001377324.1); c.292-45501A>T (NM_001377325.1); c.310-45501A>T (NM_001377323.1).
Identifiers: ClinVar variation 671171 (VCV000671171.2), dbSNP rs1409273, ClinGen allele CA13261313.

ClinVar aggregate classification (germline): Benign. Review status: criteria provided, multiple submitters, no conflicts (2 of 4 stars). 2 submissions from 2 submitters: Benign (2). Last evaluated 2018-06-14.

Allele frequency attached by ClinVar (database versions not stated): 1000 Genomes Project 30x 0.52280; 1000 Genomes Project 0.53195; TOPMed 0.56824; gnomAD 0.58697 and 0.58862; gnomAD exomes 0.63563.
gnomAD v4.1: 652,185 of 1,039,608 alleles (63%); highest among the groups gnomAD compares: Non-Finnish European, 65%; 206,660 homozygotes.

Submissions (2):

GeneDx
Classification: Benign. Last evaluated: 2018-06-14. Review status: criteria provided, single submitter. Criteria: GeneDx Variant Classification (06012015). Collection method: clinical testing. Allele origin: germline. Affected: yes.
Comment: This variant is considered likely benign or benign based on one or more of the following criteria: it is a conservative change, it occurs at a poorly conserved position in the protein, it is predicted to be benign by multiple in silico algorithms, and/or has population frequency not consistent with disease.

Breakthrough Genomics
Classification: Benign. Review status: criteria provided, single submitter. Criteria: ACMG Guidelines, 2015. Collection method: not provided. Allele origin: germline. Inheritance: Unknown mechanism. Affected: yes.